The following is an entry in ClinVar:

ClinVar aggregate classification (germline): Pathogenic (1 of 4 stars; one submission).

Conditions:
Breast-ovarian cancer, familial, susceptibility to, 1 (BROVCA1). Also called: BRCA1 Hereditary Breast and Ovarian Cancer; OVARIAN CANCER, SUSCEPTIBILITY TO. Identifiers: Orphanet 145, MedGen C2676676, MONDO:0011450, OMIM 604370. Disease mechanism: loss of function.

Submissions (2):

Consortium of Investigators of Modifiers of BRCA1/2 (CIMBA), c/o University of Cambridge
Classification: Pathogenic for Breast-ovarian cancer, familial, susceptibility to, 1. Last evaluated: 2015-10-02. Review status: criteria provided, single submitter. Criteria: CIMBA Mutation Classification guidelines May 2016. Collection method: clinical testing. Allele origin: germline.

Brotman Baty Institute, University of Washington
No classification provided (evidence only). Condition: Breast-ovarian cancer, familial 1. Review status: no classification provided. Collection method: in vitro. Allele origin: not applicable. Functional consequence: function_uncertain_variant. Not counted in ClinVar's aggregate classification.
ClinVar note: "not provided" was previously submitted as the classification for the variant. However, the classification appeared to be based only on an observation of functional data so it was converted to no classification on 2025-07-30.

NM_007294.4(BRCA1):c.139T>A (p.Cys47Ser)

Gene: BRCA1 (BRCA1 DNA repair associated; minus strand). Cytogenetic location: 17q21.31.
Variant type: single nucleotide variant.
Coding change: c.139T>A on transcript NM_007294.4 (MANE Select); coding-DNA position 139, T replaced by A.
Protein change: p.Cys47Ser; replaces cysteine 47 with serine.
Molecular consequence: missense variant. On other transcripts: 5 prime UTR variant (1), non-coding transcript variant (1).
Genome position (GRCh38, 1-based): chr17:43,106,529, A>T on the plus strand (T>A on the coding strand, the complement: BRCA1 is on the minus strand). VCF-style: chr17-43106529-A-T. GRCh37 (hg19) VCF-style: chr17-41258546-A-T.
Other names: c.139T>A, p.Cys47Ser (NM_001407636.1, NM_001407637.1, NM_001407638.1 and 168 more transcripts); c.-3T>A (NM_001407724.1, NM_001407725.1, NM_001407726.1 and 99 more transcripts); c.-50T>A (NM_001407853.1, NM_001407879.1, NM_001407881.1 and 58 more transcripts); short protein forms C47S.
Identifiers: ClinVar variation 267508 (VCV000267508.6), dbSNP rs80357370, ClinGen allele CA10601876.